The following is an entry in ClinVar:

ClinVar aggregate classification (germline): Uncertain significance. Review status: criteria provided, multiple submitters, no conflicts (2 of 4 stars). 3 submissions from 3 submitters: Uncertain significance (3). Last evaluated 2025-03-13.

Conditions:
Primary ciliary dyskinesia. Also called: Ciliary dyskinesia. Identifiers: Orphanet 244, MedGen C0008780, MONDO:0016575, HP:0012265.
Primary ciliary dyskinesia 18. Also called: CILIARY DYSKINESIA, PRIMARY, 18, WITH OR WITHOUT SITUS INVERSUS. Identifiers: Orphanet 244, MedGen C3543825, MONDO:0013940, OMIM 614874.

Allele frequency attached by ClinVar (database versions not stated): gnomAD exomes below 0.00001; ExAC 0.00001.
gnomAD v4.1: 10 of 1,613,364 alleles (0.00062%); highest among the groups gnomAD compares: African/African-American, 0.0013%; no homozygotes.

Submissions (3):

Ambry Genetics
Classification: Uncertain significance for Primary ciliary dyskinesia. Last evaluated: 2025-03-13. Review status: criteria provided, single submitter. Criteria: Ambry Variant Classification Scheme 2023. Collection method: clinical testing. Allele origin: germline.
Comment: The p.E297K variant (also known as c.889G>A), located in coding exon 3 of the DNAAF5 gene, results from a G to A substitution at nucleotide position 889. The glutamic acid at codon 297 is replaced by lysine, an amino acid with similar properties. This amino acid position is conserved. In addition, the in silico prediction for this alteration is inconclusive. Based on the available evidence, the clinical significance of this variant remains unclear.

Labcorp Genetics (formerly Invitae), Labcorp
Classification: Uncertain significance for Primary ciliary dyskinesia. Last evaluated: 2022-12-08. Review status: criteria provided, single submitter. Criteria: Invitae Variant Classification Sherloc (09022015). Collection method: clinical testing. Allele origin: germline.
Comment: In summary, the available evidence is currently insufficient to determine the role of this variant in disease. Therefore, it has been classified as a Variant of Uncertain Significance. Advanced modeling of protein sequence and biophysical properties (such as structural, functional, and spatial information, amino acid conservation, physicochemical variation, residue mobility, and thermodynamic stability) has been performed at Invitae for this missense variant, however the output from this modeling did not meet the statistical confidence thresholds required to predict the impact of this variant on DNAAF5 protein function. ClinVar contains an entry for this variant (Variation ID: 1698879). This variant has not been reported in the literature in individuals affected with DNAAF5-related conditions. This variant is present in population databases (rs753466171, gnomAD 0.003%). This sequence change replaces glutamic acid, which is acidic and polar, with lysine, which is basic and polar, at codon 297 of the DNAAF5 protein (p.Glu297Lys).

Genetics and Molecular Pathology, SA Pathology
Classification: Uncertain significance for Primary ciliary dyskinesia 18. Last evaluated: 2019-11-28. Review status: criteria provided, single submitter. Criteria: ACMG Guidelines, 2015. Collection method: clinical testing. Allele origin: germline. Inheritance: Autosomal recessive inheritance. Affected: yes.

NM_017802.4(DNAAF5):c.889G>A (p.Glu297Lys)

Gene: DNAAF5 (dynein axonemal assembly factor 5; plus strand). Cytogenetic location: 7p22.3.
Variant type: single nucleotide variant.
Coding change: c.889G>A on transcript NM_017802.4 (MANE Select); coding-DNA position 889, G replaced by A.
Protein change: p.Glu297Lys; replaces glutamic acid 297 with lysine.
Molecular consequence: missense variant. On other transcripts: non-coding transcript variant (1).
Genome position (GRCh38, 1-based): chr7:740,927, G>A. VCF-style: chr7-740927-G-A. GRCh37 (hg19) VCF-style: chr7-780564-G-A.
Other names: short protein forms E297K.
Identifiers: ClinVar variation 1698879 (VCV001698879.7), dbSNP rs753466171, ClinGen allele CA4110499.